The following is an entry in ClinVar:

NM_134261.3(RORA):c.22C>A (p.Pro8Thr)

Gene: RORA (RAR related orphan receptor A; minus strand). Cytogenetic location: 15q22.2.
Variant type: single nucleotide variant.
Coding change: c.22C>A on transcript NM_134261.3 (MANE Select); coding-DNA position 22, C replaced by A.
Protein change: p.Pro8Thr; replaces proline 8 with threonine.
Molecular consequence: missense variant.
Genome position (GRCh38, 1-based): chr15:61,229,197, G>T on the plus strand (C>A on the coding strand, the complement: RORA is on the minus strand). VCF-style: chr15-61229197-G-T. GRCh37 (hg19) VCF-style: chr15-61521396-G-T.
Other names: short protein forms P8T.
Identifiers: ClinVar variation 2574191 (VCV002574191.1), dbSNP rs1393332476, ClinGen allele CA392802478.
Genomic context (GRCh38, chr15:61,229,197, plus strand): 5'-CCCTGGAGCCGGCGGCCGCGTCCGCGCCGCTGCTGCCTGGCTCGCTGGCGGCGGGGTCGG[G>T]GGCTGCCGGAGCTGACTCCATGTTTTTTCCCAATGTAGAGATCGCTGGAGATGGCGAGCT-3'
Protein context (NP_599023.1, residues 1-18): MESAPAA[Pro8Thr]DPAASEPGSS

ClinVar aggregate classification (germline): Uncertain significance (1 of 4 stars; one submission).

gnomAD v4.1: 3 of 1,547,810 alleles (0.00019%); highest among the groups gnomAD compares: Non-Finnish European, 0.00026%; no homozygotes.

Submission:

GeneDx
Classification: Uncertain significance. Last evaluated: 2023-01-31. Review status: criteria provided, single submitter. Criteria: GeneDx Variant Classification Process June 2021. Collection method: clinical testing. Allele origin: germline. Affected: yes.
Comment: Not observed at significant frequency in large population cohorts (gnomAD); In silico analysis supports that this missense variant does not alter protein structure/function; Has not been previously published as pathogenic or benign to our knowledge